The following is an entry in ClinVar:

ClinVar aggregate classification (germline): Pathogenic (1 of 4 stars; one submission).

Conditions:
Hereditary nonpolyposis colorectal neoplasms. Identifiers: MedGen C0009405, MeSH D003123.

Submission:

Labcorp Genetics (formerly Invitae), Labcorp
Classification: Pathogenic for Hereditary nonpolyposis colorectal neoplasms. Last evaluated: 2025-04-21. Review status: criteria provided, single submitter. Criteria: Invitae Variant Classification Sherloc (09022015). Collection method: clinical testing. Allele origin: germline.
Comment: This sequence change creates a premature translational stop signal (p.Pro92Thrfs*25) in the MSH6 gene. It is expected to result in an absent or disrupted protein product. Loss-of-function variants in MSH6 are known to be pathogenic (PMID: 18269114, 24362816). This variant is not present in population databases (gnomAD no frequency). This variant has not been reported in the literature in individuals affected with MSH6-related conditions. For these reasons, this variant has been classified as Pathogenic.

Literature cited by the submitters: PubMed 18269114; PubMed 24362816.

NM_000179.3(MSH6):c.273dup (p.Pro92fs)

Gene: MSH6 (mutS homolog 6; plus strand). Cytogenetic location: 2p16.3.
Variant type: Duplication.
Coding change: c.273dup on transcript NM_000179.3 (MANE Select); coding-DNA position 273, one base duplicated (A; older notation c.273dupA).
Protein change: p.Pro92fs; shifts the reading frame from proline 92.
Molecular consequence: frameshift variant. On other transcripts: 5 prime UTR variant (21), non-coding transcript variant (5), intron variant (5).
Genome position (GRCh38, 1-based): chr2:47,790,939, A duplicated. VCF-style (leftmost placement, unchanged base first): chr2-47790938-C-CA. GRCh37 (hg19) VCF-style: chr2-48018077-C-CA.
Other names: c.-464dup (NM_001281493.2, NM_001406811.1, NM_001406823.1 and 1 more transcripts); c.-630dup (NM_001281494.2); c.369dup, p.Pro124fs (NM_001406795.1, NM_001406802.1); c.273dup, p.Pro92fs (NM_001406796.1, NM_001406798.1, NM_001406800.1 and 6 more transcripts); c.-25dup (NM_001406797.1, NM_001406801.1, NM_001406805.1 and 10 more transcripts); c.195dup, p.Pro66fs (NM_001406804.1); c.-656dup (NM_001406807.1); c.-311dup (NM_001406812.1); and 6 more; short protein forms P124fs, P36fs, P66fs, P92fs.
Identifiers: ClinVar variation 4803485 (VCV004803485.1).
Genomic context (GRCh38, chr2:47,790,938, plus strand): 5'-GAAACTTGACCAAATATTAACTAAGTTATGTATTTCCTTTTGGCAACAGTTGTGACTTCT[C>CA]ACCAGGAGATTTGGTTTGGGCCAAGATGGAGGGTTACCCCTGGTGGCCTTGTCTGGTTTA-3'